The following is an entry in ClinVar:

ClinVar aggregate classification (germline): Uncertain significance (1 of 4 stars; one submission).

Submission:

GeneDx
Classification: Uncertain significance. Last evaluated: 2019-04-04. Review status: criteria provided, single submitter. Criteria: GeneDx Variant Classification Process June 2021. Collection method: clinical testing. Allele origin: germline. Affected: yes.
Comment: Not observed in large population cohorts (Lek et al., 2016); Nonsense variant predicted to result in protein truncation or nonsense mediated decay in a gene for which loss-of-function is not a known mechanism of disease; Has not been previously published as pathogenic or benign to our knowledge

NM_006939.4(SOS2):c.1771C>T (p.Gln591Ter)

Gene: SOS2 (SOS Ras/Rho guanine nucleotide exchange factor 2; minus strand). Cytogenetic location: 14q21.3.
Variant type: single nucleotide variant.
Coding change: c.1771C>T on transcript NM_006939.4 (MANE Select); coding-DNA position 1771, C replaced by T.
Protein change: p.Gln591Ter; replaces glutamine 591 with a stop codon.
Molecular consequence: nonsense.
Genome position (GRCh38, 1-based): chr14:50,159,512, G>A on the plus strand (C>T on the coding strand, the complement: SOS2 is on the minus strand). VCF-style: chr14-50159512-G-A. GRCh37 (hg19) VCF-style: chr14-50626230-G-A.
Other names: short protein forms Q591*.
Identifiers: ClinVar variation 1305031 (VCV001305031.2), dbSNP rs2139628062, ClinGen allele CA389645010.